The following is an entry in ClinVar:

NM_015335.5(MED13L):c.2363C>T (p.Ala788Val)

Gene: MED13L (mediator complex subunit 13L; minus strand). Cytogenetic location: 12q24.21.
Variant type: single nucleotide variant.
Coding change: c.2363C>T on transcript NM_015335.5 (MANE Select); coding-DNA position 2363, C replaced by T.
Protein change: p.Ala788Val; replaces alanine 788 with valine.
Molecular consequence: missense variant.
Genome position (GRCh38, 1-based): chr12:116,005,975, G>A on the plus strand (C>T on the coding strand, the complement: MED13L is on the minus strand). VCF-style: chr12-116005975-G-A. GRCh37 (hg19) VCF-style: chr12-116443780-G-A.
Other names: short protein forms A788V.
Identifiers: ClinVar variation 984888 (VCV000984888.5), dbSNP rs1299165203, ClinGen allele CA386893086.

ClinVar aggregate classification (germline): Uncertain significance (1 of 4 stars; one submission).

Conditions:
Cardiac anomalies - developmental delay - facial dysmorphism syndrome (MRFACD). Also called: MED13L Syndrome; Impaired intellectual development and distinctive facial features with or without cardiac defects. Identifiers: Orphanet 369891, MedGen C5192431, MONDO:0014773, OMIM 616789.

Submission:

GeneDx
Classification: Uncertain significance. Last evaluated: 2026-10-01. Review status: criteria provided, single submitter. Criteria: GeneDx Variant Classification Process June 2021. Collection method: clinical testing. Allele origin: germline.
Comment: Not observed at significant frequency in large population cohorts (gnomAD); In silico analysis suggests that this missense variant does not alter protein structure/function; Has not been previously published as pathogenic or benign to our knowledge